The following is an entry in ClinVar:

NM_003106.4(SOX2):c.480C>A (p.Tyr160Ter)

Genes: SOX2 (SRY-box transcription factor 2; plus strand), SOX2-OT (SOX2 overlapping transcript; plus strand), LOC108281177 (SOX2 5' regulatory region; plus strand). Cytogenetic location: 3q26.33.
Variant type: single nucleotide variant.
Coding change: c.480C>A on transcript NM_003106.4 (MANE Select); coding-DNA position 480, C replaced by A.
Protein change: p.Tyr160Ter; replaces tyrosine 160 with a stop codon.
Molecular consequence: nonsense.
Genome position (GRCh38, 1-based): chr3:181,712,840, C>A. VCF-style: chr3-181712840-C-A. GRCh37 (hg19) VCF-style: chr3-181430628-C-A.
Other names: short protein forms Y160*.
Identifiers: ClinVar variation 4072452 (VCV004072452.1).
Genomic context (GRCh38, chr3:181,712,840, plus strand): 5'-GAGCGGGGTCGGGGTGGGCGCCGGCCTGGGCGCGGGCGTGAACCAGCGCATGGACAGTTA[C>A]GCGCACATGAACGGCTGGAGCAACGGCAGCTACAGCATGATGCAGGACCAGCTGGGCTAC-3'

ClinVar aggregate classification (germline): Pathogenic (1 of 4 stars; one submission).

Submission:

GeneDx
Classification: Pathogenic. Last evaluated: 2025-01-29. Review status: criteria provided, single submitter. Criteria: GeneDx Variant Classification Process June 2021. Collection method: clinical testing. Allele origin: germline. Affected: yes.
Comment: Not observed at significant frequency in large population cohorts (gnomAD); This variant is associated with the following publications: (PMID: 17522144, 24804704, 30450772)